The following is an entry in ClinVar:

NM_213599.3(ANO5):c.173G>A (p.Arg58Gln)

Gene: ANO5 (anoctamin 5; plus strand). Cytogenetic location: 11p14.3.
Variant type: single nucleotide variant.
Coding change: c.173G>A on transcript NM_213599.3 (MANE Select); coding-DNA position 173, G replaced by A.
Protein change: p.Arg58Gln; replaces arginine 58 with glutamine.
Molecular consequence: missense variant.
Genome position (GRCh38, 1-based): chr11:22,218,280, G>A. VCF-style: chr11-22218280-G-A. GRCh37 (hg19) VCF-style: chr11-22239826-G-A.
Other names: c.170G>A, p.Arg57Gln (NM_001142649.2); short protein forms R58Q, R57Q.
Identifiers: ClinVar variation 497402 (VCV000497402.23), dbSNP rs749698519, ClinGen allele CA5922823.

ClinVar aggregate classification (germline): Conflicting classifications of pathogenicity. Review status: criteria provided, conflicting classifications (1 of 4 stars). 7 submissions from 7 submitters: Likely pathogenic (4); Uncertain significance (3). Last evaluated 2026-06-14.

Conditions:
Autosomal recessive limb-girdle muscular dystrophy type 2L (LGMDR12). Also called: Limb-girdle muscular dystrophy, type 2L; Limb-Girdle Muscular Dystrophy R12 Anoctamin-5-Related (LGMD-R12); MUSCULAR DYSTROPHY, LIMB-GIRDLE, AUTOSOMAL RECESSIVE 12. Identifiers: Orphanet 206549, MedGen C1969785, MONDO:0012652, OMIM 611307.
ANO5-Related Muscle Diseases. Identifiers: MedGen CN180644.
Gnathodiaphyseal dysplasia (GDD). Also called: GNATHODIAPHYSEAL SCLEROSIS; OSTEOGENESIS IMPERFECTA WITH UNUSUAL SKELETAL LESIONS. Identifiers: Orphanet 53697, MedGen C1833736, MONDO:0008151, OMIM 166260.

Allele frequency attached by ClinVar (database versions not stated): gnomAD exomes 0.00003 and 0.00002; ExAC 0.00005; TOPMed 0.00001.
gnomAD v4.1: 30 of 1,613,274 alleles (0.0019%); highest among the groups gnomAD compares: South Asian, 0.015%; no homozygotes.

Submissions (7):

GeneDx
Classification: Likely pathogenic. Last evaluated: 2026-06-14. Review status: criteria provided, single submitter. Criteria: GeneDx Variant Classification Process June 2021. Collection method: clinical testing. Allele origin: germline.
Comment: Not observed at significant frequency in large population cohorts (gnomAD); In silico analysis suggests that this missense variant does not alter protein structure/function; This variant is associated with the following publications: (PMID: 34008892, 30919934, 39678382)

Labcorp Genetics (formerly Invitae), Labcorp
Classification: Likely pathogenic for Autosomal recessive limb-girdle muscular dystrophy type 2L; Gnathodiaphyseal dysplasia. Last evaluated: 2025-11-27. Review status: criteria provided, single submitter. Criteria: Invitae Variant Classification Sherloc (09022015). Collection method: clinical testing. Allele origin: germline.
Comment: This sequence change replaces arginine, which is basic and polar, with glutamine, which is neutral and polar, at codon 58 of the ANO5 protein (p.Arg58Gln). This variant is present in population databases (rs749698519, gnomAD 0.01%). This missense change has been observed in individual(s) with clinical features of autosomal recessive ANO5-related conditions (PMID: 30919934, 34008892, 39678382). ClinVar contains an entry for this variant (Variation ID: 497402). Invitae Evidence Modeling of protein sequence and biophysical properties (such as structural, functional, and spatial information, amino acid conservation, physicochemical variation, residue mobility, and thermodynamic stability) has been performed for this missense variant. However, the output from this modeling did not meet the statistical confidence thresholds required to predict the impact of this variant on ANO5 protein function. This variant disrupts the p.Arg58 amino acid residue in ANO5. Other variant(s) that disrupt this residue have been determined to be pathogenic (PMID: 22499103, 23041008, 23670307, 25891276, 27854218). This suggests that this residue is clinically significant, and that variants that disrupt this residue are likely to be disease-causing. In summary, the currently available evidence indicates that the variant is pathogenic, but additional data are needed to prove that conclusively. Therefore, this variant has been classified as Likely Pathogenic.

Department of Human Genetics, Hannover Medical School
Classification: Likely pathogenic for Autosomal recessive limb-girdle muscular dystrophy type 2L. Last evaluated: 2024-08-19. Review status: criteria provided, single submitter. Criteria: ACMG Guidelines, 2015. Collection method: clinical testing. Allele origin: germline. Inheritance: Autosomal recessive inheritance. Affected: yes.

Laboratory of Medical Genetics, National & Kapodistrian University of Athens
Classification: Likely pathogenic for Autosomal recessive limb-girdle muscular dystrophy type 2L. Last evaluated: 2021-10-01. Review status: criteria provided, single submitter. Criteria: ACMG Guidelines, 2015. Collection method: clinical testing. Allele origin: unknown. Affected: yes.
Comment: PM3, PP1, PP2, PP3

Revvity Omics, Revvity
Classification: Uncertain significance. Last evaluated: 2019-06-06. Review status: criteria provided, single submitter. Criteria: ACMG Guidelines, 2015. Collection method: clinical testing. Allele origin: germline.

Eurofins Ntd Llc (ga)
Classification: Uncertain significance. Last evaluated: 2018-01-12. Review status: criteria provided, single submitter. Criteria: EGL Classification Definitions 2015. Collection method: clinical testing. Allele origin: germline. Observed: 1 variant allele, 1 heterozygote.

Illumina Laboratory Services, Illumina
Classification: Uncertain significance for ANO5-Related Muscle Diseases. Last evaluated: 2017-08-29. Review status: criteria provided, single submitter. Criteria: ICSL Variant Classification Criteria 13 December 2019. Collection method: clinical testing. Allele origin: germline.

Literature cited by the submitters: PubMed 30919934 (cited by Labcorp Genetics (formerly Invitae), Labcorp); PubMed 34008892 (cited by Labcorp Genetics (formerly Invitae), Labcorp and Laboratory of Medical Genetics, National & Kapodistrian University of Athens); PubMed 39678382 (cited by Labcorp Genetics (formerly Invitae), Labcorp); PubMed 22499103 (cited by Labcorp Genetics (formerly Invitae), Labcorp); PubMed 23041008 (cited by Labcorp Genetics (formerly Invitae), Labcorp); PubMed 23670307 (cited by Labcorp Genetics (formerly Invitae), Labcorp); PubMed 25891276 (cited by Labcorp Genetics (formerly Invitae), Labcorp); PubMed 27854218 (cited by Labcorp Genetics (formerly Invitae), Labcorp).